The following is an entry in ClinVar:

NM_198578.4(LRRK2):c.6079A>G (p.Met2027Val)

Gene: LRRK2 (leucine rich repeat kinase 2; plus strand). Cytogenetic location: 12q12.
Variant type: single nucleotide variant.
Coding change: c.6079A>G on transcript NM_198578.4 (MANE Select); coding-DNA position 6079, A replaced by G.
Protein change: p.Met2027Val; replaces methionine 2027 with valine.
Molecular consequence: missense variant.
Genome position (GRCh38, 1-based): chr12:40,340,424, A>G. VCF-style: chr12-40340424-A-G. GRCh37 (hg19) VCF-style: chr12-40734226-A-G.
Other names: short protein forms M2027V.
Identifiers: ClinVar variation 3540593 (VCV003540593.1).
Genomic context (GRCh38, chr12:40,340,424, plus strand): 5'-CCCAATGCTGCCATCATTGCAAAGATTGCTGACTACGGCATTGCTCAGTACTGCTGTAGA[A>G]TGGGGATAAAAACATCAGAGGGCACACCAGGTAGGTGATCAGGTCTGTCTCATAATTCTA-3'
Protein context (NP_940980.4, residues 2017-2037): DYGIAQYCCR[Met2027Val]GIKTSEGTPG

ClinVar aggregate classification (germline): Uncertain significance (1 of 4 stars; one submission).

Conditions:
Inborn genetic diseases. Identifiers: MedGen C0950123, MeSH D030342.

Submission:

Ambry Genetics
Classification: Uncertain significance for Inborn genetic diseases. Last evaluated: 2024-07-27. Review status: criteria provided, single submitter. Criteria: Ambry Variant Classification Scheme 2023. Collection method: clinical testing. Allele origin: germline.
Comment: The p.M2027V variant (also known as c.6079A>G), located in coding exon 41 of the LRRK2 gene, results from an A to G substitution at nucleotide position 6079. The methionine at codon 2027 is replaced by valine, an amino acid with highly similar properties. This amino acid position is conserved. In addition, the in silico prediction for this alteration is inconclusive. Based on the available evidence, the clinical significance of this variant remains unclear.